The following is an entry in ClinVar:

ClinVar aggregate classification (germline): Uncertain significance. Review status: criteria provided, multiple submitters, no conflicts (2 of 4 stars). 3 submissions from 3 submitters: Uncertain significance (3). Last evaluated 2025-08-11.

Conditions:
LAMA5-related disorder. Also called: LAMA5-Related Disorders; LAMA5-related condition.
Inborn genetic diseases. Identifiers: MedGen C0950123, MeSH D030342.

Allele frequency attached by ClinVar (database versions not stated): TOPMed 0.00005; ESP Exome Variant Server 0.00008; ExAC 0.00006; gnomAD 0.00006.
gnomAD v4.1: 100 of 1,610,628 alleles (0.0062%); highest among the groups gnomAD compares: Admixed American, 0.02%; no homozygotes.

Submissions (3):

PreventionGenetics, part of Exact Sciences
Classification: Uncertain significance for LAMA5-related condition. Last evaluated: 2025-08-11. Review status: criteria provided, single submitter. Criteria: ACMG Guidelines, 2015. Collection method: clinical testing. Allele origin: germline.
Comment: The LAMA5 c.10820G>A variant is predicted to result in the amino acid substitution p.Arg3607Gln. To our knowledge, this variant has not been reported in the literature. This variant is reported in 0.020% of alleles in individuals of Latino descent in gnomAD. At this time, the clinical significance of this variant is uncertain due to the absence of conclusive functional and genetic evidence.

CeGaT Center for Human Genetics Tuebingen
Classification: Uncertain significance. Last evaluated: 2024-04-01. Review status: criteria provided, single submitter. Criteria: CeGaT Center For Human Genetics Tuebingen Variant Classification Criteria Version 2. Collection method: clinical testing. Allele origin: germline. Affected: yes. Observed: 1 variant allele.
Comment: LAMA5: PM2, BP4

Ambry Genetics
Classification: Uncertain significance for Inborn genetic diseases. Last evaluated: 2024-01-17. Review status: criteria provided, single submitter. Criteria: Ambry Variant Classification Scheme 2023. Collection method: clinical testing. Allele origin: germline.

NM_005560.6(LAMA5):c.10820G>A (p.Arg3607Gln)

Gene: LAMA5 (laminin subunit alpha 5; minus strand). Cytogenetic location: 20q13.33.
Variant type: single nucleotide variant.
Coding change: c.10820G>A on transcript NM_005560.6 (MANE Select); coding-DNA position 10820, G replaced by A.
Protein change: p.Arg3607Gln; replaces arginine 3607 with glutamine.
Molecular consequence: missense variant.
Genome position (GRCh38, 1-based): chr20:62,309,996, C>T on the plus strand (G>A on the coding strand, the complement: LAMA5 is on the minus strand). VCF-style: chr20-62309996-C-T. GRCh37 (hg19) VCF-style: chr20-60885052-C-T.
Other names: c.10820G>A (NM_005560.3); short protein forms R3607Q.
Identifiers: ClinVar variation 3036554 (VCV003036554.23), dbSNP rs370333867, ClinGen allele CA9939606.